The following is an entry in ClinVar:

ClinVar aggregate classification (germline): Uncertain significance (1 of 4 stars; one submission).

gnomAD v4.1: 2 of 1,604,628 alleles (0.00012%); highest among the groups gnomAD compares: South Asian, 0.0011%; no homozygotes.

Submission:

Labcorp Genetics (formerly Invitae), Labcorp
Classification: Uncertain significance. Last evaluated: 2025-09-17. Review status: criteria provided, single submitter. Criteria: Invitae Variant Classification Sherloc (09022015). Collection method: clinical testing. Allele origin: germline.
Comment: This sequence change replaces arginine, which is basic and polar, with leucine, which is neutral and non-polar, at codon 235 of the OPA1 protein (p.Arg235Leu). This variant is not present in population databases (gnomAD no frequency). This variant has not been reported in the literature in individuals affected with OPA1-related conditions. ClinVar contains an entry for this variant (Variation ID: 3681072). Invitae Evidence Modeling of protein sequence and biophysical properties (such as structural, functional, and spatial information, amino acid conservation, physicochemical variation, residue mobility, and thermodynamic stability) indicates that this missense variant is not expected to disrupt OPA1 protein function with a negative predictive value of 80%. In summary, the available evidence is currently insufficient to determine the role of this variant in disease. Therefore, it has been classified as a Variant of Uncertain Significance.

NM_130837.3(OPA1):c.869G>T (p.Arg290Leu)

Gene: OPA1 (OPA1 mitochondrial dynamin like GTPase; plus strand). Cytogenetic location: 3q29.
Variant type: single nucleotide variant.
Coding change: c.869G>T on transcript NM_130837.3 (MANE Select); coding-DNA position 869, G replaced by T.
Protein change: p.Arg290Leu; replaces arginine 290 with leucine.
Molecular consequence: missense variant.
Genome position (GRCh38, 1-based): chr3:193,635,443, G>T. VCF-style: chr3-193635443-G-T. GRCh37 (hg19) VCF-style: chr3-193353232-G-T.
Other names: c.335G>T, p.Arg112Leu (NM_001354663.2); c.332G>T, p.Arg111Leu (NM_001354664.2); c.704G>T, p.Arg235Leu (NM_015560.3); c.596G>T, p.Arg199Leu (NM_130831.3); c.650G>T, p.Arg217Leu (NM_130832.3); c.707G>T, p.Arg236Leu (NM_130833.3); c.758G>T, p.Arg253Leu (NM_130834.3); c.761G>T, p.Arg254Leu (NM_130835.3); and 1 more; short protein forms R112L, R199L, R254L, R272L, R111L, R235L, R236L, R253L.
Identifiers: ClinVar variation 3681072 (VCV003681072.2).